The following is an entry in ClinVar:

ClinVar aggregate classification (germline): Likely benign. Review status: criteria provided, multiple submitters, no conflicts (2 of 4 stars). 3 submissions from 3 submitters: Likely benign (3). Last evaluated 2026-06-15.

Conditions:
DK1-congenital disorder of glycosylation. Also called: CONGENITAL DISORDER OF GLYCOSYLATION, TYPE Im; CDG Im; DK1 DEFICIENCY; DOLICHOL KINASE DEFICIENCY; DK1-CDG; DOLK-congenital disorder of glycosylation. Identifiers: Orphanet 91131, MedGen C1835849, MONDO:0012556, OMIM 610768.
DOLK-related disorder. Also called: DOLK-related condition.
Cardiovascular phenotype. Identifiers: MedGen CN230736.

Allele frequency attached by ClinVar (database versions not stated): gnomAD exomes below 0.00001; ExAC 0.00001; TOPMed 0.00003; gnomAD 0.00005 and 0.00006.

Submissions (3):

PreventionGenetics, part of Exact Sciences
Classification: Likely benign for DOLK-related condition. Last evaluated: 2026-06-15. Review status: criteria provided, single submitter. Criteria: ACMG Guidelines, 2015. Collection method: clinical testing. Allele origin: germline.
Comment: This variant is classified as likely benign based on ACMG/AMP sequence variant interpretation guidelines (Richards et al. 2015 PMID: 25741868, with internal and published modifications).

Labcorp Genetics (formerly Invitae), Labcorp
Classification: Likely benign for DK1-congenital disorder of glycosylation. Last evaluated: 2025-11-06. Review status: criteria provided, single submitter. Criteria: Invitae Variant Classification Sherloc (09022015). Collection method: clinical testing. Allele origin: germline.

Ambry Genetics
Classification: Likely benign for Cardiovascular phenotype. Last evaluated: 2020-03-29. Review status: criteria provided, single submitter. Criteria: Ambry Variant Classification Scheme 2023. Collection method: clinical testing. Allele origin: germline.

NM_014908.4(DOLK):c.1197A>G (p.Arg399=)

Gene: DOLK (dolichol kinase; minus strand). Cytogenetic location: 9q34.11.
Variant type: single nucleotide variant.
Coding change: c.1197A>G on transcript NM_014908.4 (MANE Select); coding-DNA position 1197, A replaced by G.
Protein change: p.Arg399=; no amino-acid change (arginine 399 retained).
Molecular consequence: synonymous variant.
Genome position (GRCh38, 1-based): chr9:128,946,107, T>C on the plus strand (A>G on the coding strand, the complement: DOLK is on the minus strand). VCF-style: chr9-128946107-T-C. GRCh37 (hg19) VCF-style: chr9-131708386-T-C.
Identifiers: ClinVar variation 1433314 (VCV001433314.11), dbSNP rs767133437, ClinGen allele CA5271608.
Genomic context (GRCh38, chr9:128,946,107, plus strand): 5'-GATGGGAAGAGACATGCCCAGGAGCAGGTAGATGTGTGTCAGAATGAGTGGTCCACTGTC[T>C]CGTTCATCCAGAAAAAGGGACAGGAAGCTCCGTAGAGTGTGACCCAAAGGCTTGATGCGG-3'
Protein context (NP_055723.1, residues 389-409): RSFLSLFLDE[Arg399=]DSGPLILTHI